The following is an entry in ClinVar:

NM_001999.4(FBN2):c.5789C>A (p.Thr1930Asn)

Gene: FBN2 (fibrillin 2; minus strand). Cytogenetic location: 5q23.3.
Variant type: single nucleotide variant.
Coding change: c.5789C>A on transcript NM_001999.4 (MANE Select); coding-DNA position 5789, C replaced by A.
Protein change: p.Thr1930Asn; replaces threonine 1930 with asparagine.
Molecular consequence: missense variant.
Genome position (GRCh38, 1-based): chr5:128,304,968, G>T on the plus strand (C>A on the coding strand, the complement: FBN2 is on the minus strand). VCF-style: chr5-128304968-G-T. GRCh37 (hg19) VCF-style: chr5-127640660-G-T.
Other names: short protein forms T1930N.
Identifiers: ClinVar variation 1720520 (VCV001720520.6), dbSNP rs2479723067, ClinGen allele CA360739747.

ClinVar aggregate classification (germline): Uncertain significance (1 of 4 stars; one submission).

Conditions:
Congenital contractural arachnodactyly (CCA). Also called: BEALS SYNDROME; Beals-Hecht syndrome; Arthrogryposis, distal, type 9. Identifiers: Orphanet 115, MedGen C0220668, MONDO:0007363, OMIM 121050.

Submission:

Labcorp Genetics (formerly Invitae), Labcorp
Classification: Uncertain significance for Congenital contractural arachnodactyly. Last evaluated: 2022-09-27. Review status: criteria provided, single submitter. Criteria: Invitae Variant Classification Sherloc (09022015). Collection method: clinical testing. Allele origin: germline.
Comment: In summary, the available evidence is currently insufficient to determine the role of this variant in disease. Therefore, it has been classified as a Variant of Uncertain Significance. This sequence change replaces threonine, which is neutral and polar, with asparagine, which is neutral and polar, at codon 1930 of the FBN2 protein (p.Thr1930Asn). This variant is not present in population databases (gnomAD no frequency). This variant has not been reported in the literature in individuals affected with FBN2-related conditions. Advanced modeling of protein sequence and biophysical properties (such as structural, functional, and spatial information, amino acid conservation, physicochemical variation, residue mobility, and thermodynamic stability) performed at Invitae indicates that this missense variant is not expected to disrupt FBN2 protein function.